The following is an entry in ClinVar:

NM_020778.5(ALPK3):c.4360C>T (p.Pro1454Ser)

Gene: ALPK3 (alpha kinase 3; plus strand). Cytogenetic location: 15q25.3.
Variant type: single nucleotide variant.
Coding change: c.4360C>T on transcript NM_020778.5 (MANE Select); coding-DNA position 4360, C replaced by T.
Protein change: p.Pro1454Ser; replaces proline 1454 with serine.
Molecular consequence: missense variant.
Genome position (GRCh38, 1-based): chr15:84,862,865, C>T. VCF-style: chr15-84862865-C-T. GRCh37 (hg19) VCF-style: chr15-85406096-C-T.
Other names: short protein forms P1454S.
Identifiers: ClinVar variation 1744437 (VCV001744437.2), dbSNP rs757470914, ClinGen allele CA7709938.

ClinVar aggregate classification (germline): Uncertain significance (1 of 4 stars; one submission).

Conditions:
Cardiovascular phenotype. Identifiers: MedGen CN230736.

Allele frequency attached by ClinVar (database versions not stated): ExAC 0.00001; gnomAD exomes 0.00001.
gnomAD v4.1: 3 of 1,614,122 alleles (0.00019%); highest among the groups gnomAD compares: East Asian, 0.0022%; no homozygotes.

Submission:

Ambry Genetics
Classification: Uncertain significance for Cardiovascular phenotype. Last evaluated: 2022-04-04. Review status: criteria provided, single submitter. Criteria: Ambry Variant Classification Scheme 2023. Collection method: clinical testing. Allele origin: germline.
Comment: The p.P1656S variant (also known as c.4966C>T), located in coding exon 10 of the ALPK3 gene, results from a C to T substitution at nucleotide position 4966. The proline at codon 1656 is replaced by serine, an amino acid with similar properties. This amino acid position is conserved. In addition, this alteration is predicted to be tolerated by in silico analysis. Since supporting evidence is limited at this time, the clinical significance of this alteration remains unclear.